The following is an entry in ClinVar:

ClinVar aggregate classification (germline): Pathogenic (1 of 4 stars; one submission).

Conditions:
Hereditary cancer-predisposing syndrome. Also called: Hereditary Cancer Syndrome; Hereditary neoplastic syndrome; Neoplastic Syndromes, Hereditary; Tumor predisposition. Identifiers: Orphanet 140162, MedGen C0027672, MeSH D009386, MONDO:0015356.

Submission:

Ambry Genetics
Classification: Pathogenic for Hereditary cancer-predisposing syndrome. Last evaluated: 2025-07-17. Review status: criteria provided, single submitter. Criteria: Ambry Variant Classification Scheme 2023. Collection method: clinical testing. Allele origin: germline.
Comment: The c.4099_4102delAAAT pathogenic mutation, located in coding exon 10 of the BRCA2 gene, results from a deletion of 4 nucleotides at nucleotide positions 4099 to 4102, causing a translational frameshift with a predicted alternate stop codon (p.K1367Yfs*6). This variant is considered to be rare based on population cohorts in the Genome Aggregation Database (gnomAD). This alteration is expected to result in loss of function by premature protein truncation or nonsense-mediated mRNA decay. As such, this alteration is interpreted as a disease-causing mutation.

NM_000059.4(BRCA2):c.4099_4102del (p.Lys1367fs)

Gene: BRCA2 (BRCA2 DNA repair associated; plus strand). Cytogenetic location: 13q13.1.
Variant type: Deletion.
Coding change: c.4099_4102del on transcript NM_000059.4 (MANE Select); coding-DNA positions 4099 to 4102, 4 bases deleted (AAAT; older notation c.4099_4102delAAAT).
Protein change: p.Lys1367fs; shifts the reading frame from lysine 1367.
Molecular consequence: frameshift variant. On other transcripts: non-coding transcript variant (1), intron variant (2).
Genome position (GRCh38, 1-based): chr13:32,338,454-32,338,457, AAAT deleted; deleting any 4 consecutive bases within chr13:32,338,453-32,338,457 gives the same sequence; the c. name uses the placement nearest the transcript's 3' end. VCF-style (leftmost placement, unchanged base first): chr13-32338452-TTAAA-T. GRCh37 (hg19) VCF-style: chr13-32912589-TTAAA-T.
Other names: c.4099_4102del, p.Lys1367fs (NM_001406719.1, NM_001406720.1, NM_001432077.1); c.1909+5067_1909+5070del (NM_001406721.1); c.425-6104_425-6101del (NM_001406722.1); short protein forms K1367fs.
Identifiers: ClinVar variation 4215865 (VCV004215865.1).